The following is an entry in ClinVar:

NM_001193315.2(VIPAS39):c.927T>C (p.His309=)

Gene: VIPAS39 (VPS33B interacting protein, apical-basolateral polarity regulator, spe-39 homolog; minus strand). Cytogenetic location: 14q24.3.
Variant type: single nucleotide variant.
Coding change: c.927T>C on transcript NM_001193315.2 (MANE Select); coding-DNA position 927, T replaced by C.
Protein change: p.His309=; no amino-acid change (histidine 309 retained).
Molecular consequence: synonymous variant. On other transcripts: non-coding transcript variant (1), intron variant (2).
Genome position (GRCh38, 1-based): chr14:77,435,379, A>G on the plus strand (T>C on the coding strand, the complement: VIPAS39 is on the minus strand). VCF-style: chr14-77435379-A-G. GRCh37 (hg19) VCF-style: chr14-77901722-A-G.
Other names: c.927T>C, p.His309= (NM_001193314.2, NM_001193317.2, NM_001400326.1 and 5 more transcripts); c.780T>C, p.His260= (NM_001193316.2, NM_001400324.1, NM_001400325.1); c.894T>C, p.His298= (NM_001400327.1); c.834T>C, p.His278= (NM_001400333.1, NM_001400334.1); c.687T>C, p.His229= (NM_001400337.1); c.825T>C, p.His275= (NM_001400338.1); c.763-1076T>C (NM_001400339.1); c.912+465T>C (NM_001400336.1).
Identifiers: ClinVar variation 3356446 (VCV003356446.1).

ClinVar aggregate classification (germline): Likely benign (0 of 4 stars; one submission).

Conditions:
VIPAS39-related disorder. Also called: VIPAS39-related condition.

gnomAD v4.1: 6 of 1,568,872 alleles (0.00038%); highest among the groups gnomAD compares: East Asian, 0.0049%; no homozygotes.

Submission:

PreventionGenetics, part of Exact Sciences
Classification: Likely benign for VIPAS39-related condition. Last evaluated: 2024-04-17. Review status: no assertion criteria provided. Collection method: clinical testing. Allele origin: germline.
Comment: This variant is classified as likely benign based on ACMG/AMP sequence variant interpretation guidelines (Richards et al. 2015 PMID: 25741868, with internal and published modifications).